The following is an entry in ClinVar:

ClinVar aggregate classification (germline): Uncertain significance (1 of 4 stars; one submission).

Conditions:
Primary ciliary dyskinesia. Also called: Ciliary dyskinesia. Identifiers: Orphanet 244, MedGen C0008780, MONDO:0016575, HP:0012265.

Submission:

Labcorp Genetics (formerly Invitae), Labcorp
Classification: Uncertain significance for Primary ciliary dyskinesia. Last evaluated: 2024-07-06. Review status: criteria provided, single submitter. Criteria: Invitae Variant Classification Sherloc (09022015). Collection method: clinical testing. Allele origin: germline.
Comment: This sequence change falls in intron 8 of the DNAI1 gene. It does not directly change the encoded amino acid sequence of the DNAI1 protein. This variant is not present in population databases (gnomAD no frequency). This variant has not been reported in the literature in individuals affected with DNAI1-related conditions. Algorithms developed to predict the effect of sequence changes on RNA splicing suggest that this variant may disrupt the consensus splice site. In summary, the available evidence is currently insufficient to determine the role of this variant in disease. Therefore, it has been classified as a Variant of Uncertain Significance.

NM_012144.4(DNAI1):c.682-16T>C

Gene: DNAI1 (dynein axonemal intermediate chain 1; plus strand). Cytogenetic location: 9p13.3.
Variant type: single nucleotide variant.
Coding change: c.682-16T>C on transcript NM_012144.4 (MANE Select); 16 bases into the intron before coding-DNA position 682, T replaced by C.
Molecular consequence: intron variant.
Genome position (GRCh38, 1-based): chr9:34,493,178, T>C. VCF-style: chr9-34493178-T-C. GRCh37 (hg19) VCF-style: chr9-34493176-T-C.
Other names: c.694-16T>C (NM_001281428.2).
Identifiers: ClinVar variation 3672708 (VCV003672708.2).